The following is an entry in ClinVar:

ClinVar aggregate classification (germline): Uncertain significance (1 of 4 stars; one submission).

Conditions:
Neurofibromatosis, type 1 (NF1). Also called: VON RECKLINGHAUSEN DISEASE; Peripheral type neurofibromatosis; NEUROFIBROMATOSIS, TYPE I, SOMATIC; Neurofibromatosis, type I. Identifiers: Orphanet 636, MedGen C0027831, MONDO:0018975, OMIM 162200. Disease mechanism: loss of function.

Submission:

Labcorp Genetics (formerly Invitae), Labcorp
Classification: Uncertain significance for Neurofibromatosis, type 1. Last evaluated: 2025-01-08. Review status: criteria provided, single submitter. Criteria: Invitae Variant Classification Sherloc (09022015). Collection method: clinical testing. Allele origin: germline.
Comment: This sequence change replaces leucine, which is neutral and non-polar, with methionine, which is neutral and non-polar, at codon 2309 of the NF1 protein (p.Leu2309Met). This variant is not present in population databases (gnomAD no frequency). This variant has not been reported in the literature in individuals affected with NF1-related conditions. Invitae Evidence Modeling of protein sequence and biophysical properties (such as structural, functional, and spatial information, amino acid conservation, physicochemical variation, residue mobility, and thermodynamic stability) has been performed for this missense variant. However, the output from this modeling did not meet the statistical confidence thresholds required to predict the impact of this variant on NF1 protein function. In summary, the available evidence is currently insufficient to determine the role of this variant in disease. Therefore, it has been classified as a Variant of Uncertain Significance.

NM_001042492.3(NF1):c.6988T>A (p.Leu2330Met)

Gene: NF1 (neurofibromin 1; plus strand). Cytogenetic location: 17q11.2.
Variant type: single nucleotide variant.
Coding change: c.6988T>A on transcript NM_001042492.3 (MANE Select); coding-DNA position 6988, T replaced by A.
Protein change: p.Leu2330Met; replaces leucine 2330 with methionine.
Molecular consequence: missense variant.
Genome position (GRCh38, 1-based): chr17:31,340,571, T>A. VCF-style: chr17-31340571-T-A. GRCh37 (hg19) VCF-style: chr17-29667589-T-A.
Other names: c.6925T>A, p.Leu2309Met (NM_000267.4); short protein forms L2330M, L2309M.
Identifiers: ClinVar variation 3634593 (VCV003634593.2).